The following is an entry in ClinVar:

NM_001042492.3(NF1):c.6307C>T (p.Leu2103Phe)

Gene: NF1 (neurofibromin 1; plus strand). Cytogenetic location: 17q11.2.
Variant type: single nucleotide variant.
Coding change: c.6307C>T on transcript NM_001042492.3 (MANE Select); coding-DNA position 6307, C replaced by T.
Protein change: p.Leu2103Phe; replaces leucine 2103 with phenylalanine.
Molecular consequence: missense variant.
Genome position (GRCh38, 1-based): chr17:31,336,794, C>T. VCF-style: chr17-31336794-C-T. GRCh37 (hg19) VCF-style: chr17-29663812-C-T.
Other names: c.6244C>T, p.Leu2082Phe (NM_000267.4); short protein forms L2082F, L2103F.
Identifiers: ClinVar variation 457787 (VCV000457787.7), dbSNP rs1555534719, ClinGen allele CA399012255.

ClinVar aggregate classification (germline): Uncertain significance. Review status: criteria provided, multiple submitters, no conflicts (2 of 4 stars). 2 submissions from 2 submitters: Uncertain significance (2). Last evaluated 2023-12-27.

Conditions:
Cardiovascular phenotype. Identifiers: MedGen CN230736.
Hereditary cancer-predisposing syndrome. Also called: Hereditary Cancer Syndrome; Hereditary neoplastic syndrome; Tumor predisposition; Neoplastic Syndromes, Hereditary. Identifiers: Orphanet 140162, MedGen C0027672, MeSH D009386, MONDO:0015356.
Neurofibromatosis, type 1 (NF1). Also called: VON RECKLINGHAUSEN DISEASE; NEUROFIBROMATOSIS, TYPE I, SOMATIC; Peripheral type neurofibromatosis; Neurofibromatosis, type I. Identifiers: Orphanet 636, MedGen C0027831, MONDO:0018975, OMIM 162200. Disease mechanism: loss of function.

Submissions (2):

Ambry Genetics
Classification: Uncertain significance for Cardiovascular phenotype; Hereditary cancer-predisposing syndrome. Last evaluated: 2023-12-27. Review status: criteria provided, single submitter. Criteria: Ambry Variant Classification Scheme 2023. Collection method: clinical testing. Allele origin: germline.
Comment: The p.L2082F variant (also known as c.6244C>T), located in coding exon 41 of the NF1 gene, results from a C to T substitution at nucleotide position 6244. The leucine at codon 2082 is replaced by phenylalanine, an amino acid with highly similar properties. This amino acid position is highly conserved in available vertebrate species. In addition, this alteration is predicted to be deleterious by in silico analysis. Since supporting evidence is limited at this time, the clinical significance of this alteration remains unclear.

Labcorp Genetics (formerly Invitae), Labcorp
Classification: Uncertain significance for Neurofibromatosis, type 1. Last evaluated: 2017-01-18. Review status: criteria provided, single submitter. Criteria: Invitae Variant Classification Sherloc (09022015). Collection method: clinical testing. Allele origin: germline.
Comment: Algorithms developed to predict the effect of missense changes on protein structure and function do not agree on the potential impact of this missense change (SIFT: "Deleterious"; PolyPhen-2: "Probably Damaging"; Align-GVGD: "Class C0"). In summary, this variant is a novel missense change with uncertain impact on protein function. It has been classified as a Variant of Uncertain Significance. This variant is not present in population databases (ExAC no frequency) and has not been reported in the literature in individuals with a NF1-related disease. This sequence change replaces leucine with phenylalanine at codon 2082 of the NF1 protein (p.Leu2082Phe). The leucine residue is moderately conserved and there is a small physicochemical difference between leucine and phenylalanine.